The following is an entry in ClinVar:

NM_002691.4(POLD1):c.716C>T (p.Pro239Leu)

Gene: POLD1 (DNA polymerase delta 1, catalytic subunit; plus strand). Cytogenetic location: 19q13.33.
Variant type: single nucleotide variant.
Coding change: c.716C>T on transcript NM_002691.4 (MANE Select); coding-DNA position 716, C replaced by T.
Protein change: p.Pro239Leu; replaces proline 239 with leucine.
Molecular consequence: missense variant. On other transcripts: non-coding transcript variant (1).
Genome position (GRCh38, 1-based): chr19:50,402,331, C>T. VCF-style: chr19-50402331-C-T. GRCh37 (hg19) VCF-style: chr19-50905588-C-T.
Other names: c.716C>T, p.Pro239Leu (NM_001256849.1, NM_001308632.1); short protein forms P239L.
Identifiers: ClinVar variation 1757467 (VCV001757467.5), dbSNP rs1601201029, ClinGen allele CA406974485.

ClinVar aggregate classification (germline): Uncertain significance. Review status: criteria provided, multiple submitters, no conflicts (2 of 4 stars). 2 submissions from 2 submitters: Uncertain significance (2). Last evaluated 2025-12-23.

Conditions:
Hereditary cancer-predisposing syndrome. Also called: Neoplastic Syndromes, Hereditary; Tumor predisposition; Hereditary neoplastic syndrome; Hereditary Cancer Syndrome. Identifiers: Orphanet 140162, MedGen C0027672, MeSH D009386, MONDO:0015356.
POLD1-related polyposis and colorectal cancer syndrome (CRCS10). Also called: COLORECTAL CANCER, SUSCEPTIBILITY TO, ON CHROMOSOME 19q; Colorectal cancer 10; Colorectal cancer, susceptibility to, 10. Identifiers: Orphanet 220460, MedGen C2675481, MONDO:0012953, OMIM 612591.

Submissions (2):

Labcorp Genetics (formerly Invitae), Labcorp
Classification: Uncertain significance for POLD1-related polyposis and colorectal cancer syndrome. Last evaluated: 2025-12-23. Review status: criteria provided, single submitter. Criteria: Invitae Variant Classification Sherloc (09022015). Collection method: clinical testing. Allele origin: germline.
Comment: This sequence change replaces proline, which is neutral and non-polar, with leucine, which is neutral and non-polar, at codon 239 of the POLD1 protein (p.Pro239Leu). This variant is not present in population databases (gnomAD no frequency). This variant has not been reported in the literature in individuals affected with POLD1-related conditions. ClinVar contains an entry for this variant (Variation ID: 1757467). Invitae Evidence Modeling of protein sequence and biophysical properties (such as structural, functional, and spatial information, amino acid conservation, physicochemical variation, residue mobility, and thermodynamic stability) indicates that this missense variant is not expected to disrupt POLD1 protein function with a negative predictive value of 80%. In summary, the available evidence is currently insufficient to determine the role of this variant in disease. Therefore, it has been classified as a Variant of Uncertain Significance.

Ambry Genetics
Classification: Uncertain significance for Hereditary cancer-predisposing syndrome. Last evaluated: 2022-06-26. Review status: criteria provided, single submitter. Criteria: Ambry Variant Classification Scheme 2023. Collection method: clinical testing. Allele origin: germline.
Comment: The p.P239L variant (also known as c.716C>T), located in coding exon 5 of the POLD1 gene, results from a C to T substitution at nucleotide position 716. The proline at codon 239 is replaced by leucine, an amino acid with similar properties. This amino acid position is conserved. In addition, this alteration is predicted to be tolerated by in silico analysis. Since supporting evidence is limited at this time, the clinical significance of this alteration remains unclear.